The following is an entry in ClinVar:

ClinVar aggregate classification (germline): Uncertain significance. Review status: criteria provided, multiple submitters, no conflicts (2 of 4 stars). 2 submissions from 2 submitters: Uncertain significance (2). Last evaluated 2025-06-20.

Conditions:
Inborn genetic diseases. Identifiers: MedGen C0950123, MeSH D030342.
Baller-Gerold syndrome (BGS). Also called: CRANIOSYNOSTOSIS WITH RADIAL DEFECTS. Identifiers: Orphanet 1225, MedGen C0265308, MONDO:0009039, OMIM 218600.

Submissions (2):

Ambry Genetics
Classification: Uncertain significance for Inborn genetic diseases. Last evaluated: 2025-06-20. Review status: criteria provided, single submitter. Criteria: Ambry Variant Classification Scheme 2023. Collection method: clinical testing. Allele origin: germline.
Comment: The p.S611P variant (also known as c.1831T>C), located in coding exon 11 of the RECQL4 gene, results from a T to C substitution at nucleotide position 1831. The serine at codon 611 is replaced by proline, an amino acid with similar properties. This amino acid position is conserved. In addition, this alteration is predicted to be deleterious by in silico analysis. Based on the available evidence, the clinical significance of this variant remains unclear.

Labcorp Genetics (formerly Invitae), Labcorp
Classification: Uncertain significance for Baller-Gerold syndrome. Last evaluated: 2021-07-29. Review status: criteria provided, single submitter. Criteria: Invitae Variant Classification Sherloc (09022015). Collection method: clinical testing. Allele origin: germline.
Comment: Experimental studies and prediction algorithms are not available or were not evaluated, and the functional significance of this variant is currently unknown. This variant has not been reported in the literature in individuals affected with RECQL4-related conditions. This variant is not present in population databases (ExAC no frequency). This sequence change replaces serine with proline at codon 611 of the RECQL4 protein (p.Ser611Pro). The serine residue is highly conserved and there is a moderate physicochemical difference between serine and proline. In summary, the available evidence is currently insufficient to determine the role of this variant in disease. Therefore, it has been classified as a Variant of Uncertain Significance.

NM_004260.4(RECQL4):c.1831T>C (p.Ser611Pro)

Gene: RECQL4 (RecQ like helicase 4; minus strand). Cytogenetic location: 8q24.3.
Variant type: single nucleotide variant.
Coding change: c.1831T>C on transcript NM_004260.4 (MANE Select); coding-DNA position 1831, T replaced by C.
Protein change: p.Ser611Pro; replaces serine 611 with proline.
Molecular consequence: missense variant.
Genome position (GRCh38, 1-based): chr8:144,514,236, A>G on the plus strand (T>C on the coding strand, the complement: RECQL4 is on the minus strand). VCF-style: chr8-144514236-A-G. GRCh37 (hg19) VCF-style: chr8-145739620-A-G.
Other names: c.1831T>C (NM_004260.3); short protein forms S611P.
Identifiers: ClinVar variation 1370823 (VCV001370823.7), dbSNP rs2130694941, ClinGen allele CA372680751.